The following is an entry in ClinVar:

NC_000017.11:g.(?_61861441)_(61861545_?)del

Gene: BRIP1 (BRCA1 interacting DNA helicase 1; minus strand). Cytogenetic location: 17q23.2.
Variant type: Deletion.
Identifiers: ClinVar variation 530384 (VCV000530384.4).

ClinVar aggregate classification (germline): Likely pathogenic (1 of 4 stars; one submission).

Conditions:
Fanconi anemia complementation group J. Also called: BRIP1-Related Fanconi Anemia. Identifiers: Orphanet 84, MedGen C1836860, MONDO:0012187, OMIM 609054.
Familial cancer of breast. Also called: BREAST CANCER, FAMILIAL; hereditary breast carcinoma; Hereditary breast cancer. Identifiers: Orphanet 227535, MedGen C0346153, MONDO:0016419, OMIM 114480. Disease mechanism: loss of function.

Submission:

Labcorp Genetics (formerly Invitae), Labcorp
Classification: Likely pathogenic for Familial cancer of breast; Fanconi anemia complementation group J. Last evaluated: 2017-09-27. Review status: criteria provided, single submitter. Criteria: Invitae Variant Classification Sherloc (09022015). Collection method: clinical testing. Allele origin: germline.
Comment: In summary, the currently available evidence indicates that the variant is pathogenic, but additional data are needed to prove that conclusively. Therefore, this variant has been classified as Likely Pathogenic. Loss-of-function variants in BRIP1 are known to be pathogenic (PMID: 16116423, 17033622, 21964575). This variant has not been reported in the literature in individuals with BRIP1-related disease. This variant is a gross deletion of the genomic region encompassing exon 2 of the BRIP1 gene, which includes the initiator codon. The 5' end of this event is unknown as it extends beyond the assayed region for this gene and therefore may encompass additional genes. The 3' boundary is likely confined to intron 2 of the BRIP1 gene. This is expected to result in an absent or disrupted protein product.

Literature cited by the submitters: PubMed 16116423; PubMed 17033622; PubMed 21964575.